The following is an entry in ClinVar:

ClinVar aggregate classification (germline): Benign. Review status: criteria provided, multiple submitters, no conflicts (2 of 4 stars). 6 submissions from 6 submitters: Benign (5). 1 of the submissions does not count toward it. Last evaluated 2026-02-04.

Conditions:
Usher syndrome type 2C. Also called: Usher syndrome, type 2B; USHER SYNDROME, TYPE IIC. Identifiers: Orphanet 231178, Orphanet 886, MedGen C2931213, MONDO:0011558, OMIM 605472.

Allele frequency attached by ClinVar (database versions not stated): gnomAD exomes 0.07945 and 0.06766; 1000 Genomes Project 30x 0.04357; 1000 Genomes Project 0.04653; TOPMed 0.05676; gnomAD 0.06366 and 0.06417; ESP Exome Variant Server 0.06503; ExAC 0.06861.
gnomAD v4.1: 125,352 of 1,613,136 alleles (7.8%); highest among the groups gnomAD compares: Non-Finnish European, 8.6%; 5,355 homozygotes.

Submissions (6):

Labcorp Genetics (formerly Invitae), Labcorp
Classification: Benign. Last evaluated: 2026-02-04. Review status: criteria provided, single submitter. Criteria: Invitae Variant Classification Sherloc (09022015). Collection method: clinical testing. Allele origin: germline.

Mayo Clinic Laboratories, Mayo Clinic
Classification: Benign. Last evaluated: 2022-05-01. Review status: criteria provided, single submitter. Criteria: ACMG Guidelines, 2015. Collection method: clinical testing. Allele origin: germline. Observed: 27 variant alleles.

Illumina Laboratory Services, Illumina
Classification: Benign for Usher syndrome type 2C. Last evaluated: 2018-01-13. Review status: criteria provided, single submitter. Criteria: ICSL Variant Classification Criteria 13 December 2019. Collection method: clinical testing. Allele origin: germline.
Comment: This variant was observed in the ICSL laboratory as part of a predisposition screen in an ostensibly healthy population. It had not been previously curated by ICSL or reported in the Human Gene Mutation Database (HGMD: prior to June 1st, 2018), and was therefore a candidate for classification through an automated scoring system. Utilizing variant allele frequency, disease prevalence and penetrance estimates, and inheritance mode, an automated score was calculated to assess if this variant is too frequent to cause the disease. Based on the score and internal cut-off values, a variant classified as benign is not then subjected to further curation. The score for this variant resulted in a classification of benign for this disease.

GeneDx
Classification: Benign. Last evaluated: 2015-03-03. Review status: criteria provided, single submitter. Criteria: GeneDx Variant Classification Process June 2021. Collection method: clinical testing. Allele origin: germline. Affected: yes.

Laboratory for Molecular Medicine, Mass General Brigham Personalized Medicine
Classification: Benign. Last evaluated: 2012-04-10. Review status: criteria provided, single submitter. Criteria: LMM Criteria. Collection method: clinical testing. Allele origin: germline. Observed: 221 variant alleles.

Genetic Services Laboratory, University of Chicago
Classification: Likely benign. Review status: no assertion criteria provided. Collection method: clinical testing. Allele origin: germline. Inheritance: Autosomal dominant inheritance. Not counted in ClinVar's aggregate classification.
Comment: Likely benign based on allele frequency in 1000 Genomes Project or ESP global frequency and its presence in a patient with a rare or unrelated disease phenotype. NOT Sanger confirmed

NM_032119.4(ADGRV1):c.9280G>A (p.Val3094Ile)

Gene: ADGRV1 (adhesion G protein-coupled receptor V1; plus strand). Cytogenetic location: 5q14.3.
Variant type: single nucleotide variant.
Coding change: c.9280G>A on transcript NM_032119.4 (MANE Select); coding-DNA position 9280, G replaced by A.
Protein change: p.Val3094Ile; replaces valine 3094 with isoleucine.
Molecular consequence: missense variant. On other transcripts: non-coding transcript variant (1).
Genome position (GRCh38, 1-based): chr5:90,716,562, G>A. VCF-style: chr5-90716562-G-A. GRCh37 (hg19) VCF-style: chr5-90012379-G-A.
Other names: short protein forms V3094I.
Identifiers: ClinVar variation 46403 (VCV000046403.22), dbSNP rs13157270, ClinGen allele CA138265.